The following is an entry in ClinVar:

ClinVar aggregate classification (germline): Pathogenic/Likely pathogenic. Review status: criteria provided, multiple submitters, no conflicts (2 of 4 stars). 3 submissions from 3 submitters: Pathogenic (1); Likely pathogenic (2). Last evaluated 2024-05-31.

Conditions:
Curry-Hall syndrome (WAD). Also called: WEYERS ACRODENTAL DYSOSTOSIS. Identifiers: Orphanet 952, MedGen C0457013, MONDO:0008673, OMIM 193530.
Ellis-van Creveld syndrome (EVC). Also called: EVC-Related Ellis-van Creveld Syndrome; EVC2-Related Ellis-van Creveld Syndrome; MESOECTODERMAL DYSPLASIA; Chondroectodermal dysplasia. Identifiers: Orphanet 289, MedGen C0013903, MONDO:0009162, OMIM 225500.

Submissions (3):

Fulgent Genetics
Classification: Likely pathogenic for Curry-Hall syndrome; Ellis-van Creveld syndrome. Last evaluated: 2024-05-31. Review status: criteria provided, single submitter. Criteria: ACMG Guidelines, 2015. Collection method: clinical testing. Allele origin: germline.

Department of Pathology and Laboratory Medicine, Sinai Health System
Classification: Likely pathogenic for Ellis-van Creveld syndrome. Last evaluated: 2023-01-13. Review status: criteria provided, single submitter. Criteria: ACMG Guidelines, 2015. Collection method: research. Allele origin: germline.

Labcorp Genetics (formerly Invitae), Labcorp
Classification: Pathogenic for Curry-Hall syndrome; Ellis-van Creveld syndrome. Last evaluated: 2022-12-17. Review status: criteria provided, single submitter. Criteria: Invitae Variant Classification Sherloc (09022015). Collection method: clinical testing. Allele origin: germline.
Comment: For these reasons, this variant has been classified as Pathogenic. ClinVar contains an entry for this variant (Variation ID: 1322839). This premature translational stop signal has been observed in individual(s) with Ellis-van Creveld syndrome (PMID: 29321360). This variant is present in population databases (no rsID available, gnomAD 0.006%). This sequence change creates a premature translational stop signal (p.Thr11Hisfs*45) in the EVC2 gene. It is expected to result in an absent or disrupted protein product. Loss-of-function variants in EVC2 are known to be pathogenic (PMID: 17024374, 19810119, 19876929).

Literature cited by the submitters: PubMed 29321360 (cited by Labcorp Genetics (formerly Invitae), Labcorp); PubMed 17024374 (cited by Labcorp Genetics (formerly Invitae), Labcorp); PubMed 19810119 (cited by Labcorp Genetics (formerly Invitae), Labcorp); PubMed 19876929 (cited by Labcorp Genetics (formerly Invitae), Labcorp).

NM_147127.5(EVC2):c.30dup (p.Thr11fs)

Gene: EVC2 (EvC ciliary complex subunit 2; minus strand). Cytogenetic location: 4p16.2.
Variant type: Duplication.
Coding change: c.30dup on transcript NM_147127.5 (MANE Select); coding-DNA position 30, one base duplicated (C; older notation c.30dupC).
Protein change: p.Thr11fs; shifts the reading frame from threonine 11.
Molecular consequence: frameshift variant. On other transcripts: intron variant (1).
Genome position (GRCh38, 1-based): chr4:5,708,484, G duplicated on the plus strand (C on the coding strand, the reverse complement: EVC2 is on the minus strand); the first of 4 consecutive G bases (chr4:5,708,484-5,708,487); duplicating any one gives the same sequence. VCF-style (leftmost placement, unchanged base first): chr4-5708483-T-TG. GRCh37 (hg19) VCF-style: chr4-5710210-T-TG.
Other names: c.-13+345dup (NM_001166136.2); short protein forms T11fs.
Identifiers: ClinVar variation 2927184 (VCV002927184.5), dbSNP rs1442303442, ClinGen allele CA549402483.